The following is an entry in ClinVar:

NM_007294.4(BRCA1):c.2329T>G (p.Tyr777Asp)

Gene: BRCA1 (BRCA1 DNA repair associated; minus strand). Cytogenetic location: 17q21.31.
Variant type: single nucleotide variant.
Coding change: c.2329T>G on transcript NM_007294.4 (MANE Select); coding-DNA position 2329, T replaced by G.
Protein change: p.Tyr777Asp; replaces tyrosine 777 with aspartic acid.
Molecular consequence: missense variant. On other transcripts: intron variant (137).
Genome position (GRCh38, 1-based): chr17:43,093,202, A>C on the plus strand (T>G on the coding strand, the complement: BRCA1 is on the minus strand). VCF-style: chr17-43093202-A-C. GRCh37 (hg19) VCF-style: chr17-41245219-A-C.
Other names: 2448T>G; c.2065T>G, p.Tyr689Asp (NM_001407928.1, NM_001407929.1, NM_001407933.1 and 9 more transcripts); c.2062T>G, p.Tyr688Asp (NM_001407930.1, NM_001407931.1, NM_001407932.1 and 2 more transcripts); c.2206T>G, p.Tyr736Asp (NM_001407937.1, NM_001407938.1, NM_001407939.1 and 19 more transcripts); c.2203T>G, p.Tyr735Asp (NM_001407940.1, NM_001407941.1, NM_001407649.1 and 11 more transcripts); c.2188T>G, p.Tyr730Asp (NM_001407942.1, NM_001407944.1, NM_001407945.1 and 29 more transcripts); c.2185T>G, p.Tyr729Asp (NM_001407943.1, NM_001407964.1, NM_001407740.1 and 20 more transcripts); c.1996T>G, p.Tyr666Asp (NM_001407946.1, NM_001407947.1, NM_001407948.1 and 6 more transcripts); and 42 more; short protein forms Y777D, Y730D, Y481D, Y707D, Y736D, Y750D, Y666D, Y751D.
Identifiers: ClinVar variation 37463 (VCV000037463.44), dbSNP rs397507199, ClinGen allele CA001554.

ClinVar aggregate classification (germline): Conflicting classifications of pathogenicity. Review status: criteria provided, conflicting classifications (1 of 4 stars). 11 submissions from 11 submitters: Uncertain significance (6); Likely benign (4). 1 of the submissions does not count toward it. Last evaluated 2025-11-30.

Conditions:
BRCA1-related cancer predisposition. Identifiers: MedGen CN377757, MONDO:0700268.
Hereditary cancer-predisposing syndrome. Also called: Tumor predisposition; Neoplastic Syndromes, Hereditary; Hereditary Cancer Syndrome; Hereditary neoplastic syndrome. Identifiers: Orphanet 140162, MedGen C0027672, MeSH D009386, MONDO:0015356.
Hereditary breast ovarian cancer syndrome. Also called: Hereditary breast and ovarian cancer syndrome (HBOC); Hereditary breast and ovarian cancer syndrome; Hereditary breast and ovarian cancer; Hereditary breast and/or ovarian cancer syndrome; Breast and ovarian cancer; BRCA1- and BRCA2-Associated Hereditary Breast and Ovarian Cancer. Identifiers: Orphanet 145, MedGen C0677776, MeSH D061325, MONDO:0003582. Disease mechanism: loss of function.
Breast-ovarian cancer, familial, susceptibility to, 1 (BROVCA1). Also called: OVARIAN CANCER, SUSCEPTIBILITY TO; BRCA1 Hereditary Breast and Ovarian Cancer. Identifiers: Orphanet 145, MedGen C2676676, MONDO:0011450, OMIM 604370. Disease mechanism: loss of function.

Allele frequency attached by ClinVar (database versions not stated): gnomAD 0.00001.
gnomAD v4.1: 5 of 1,613,880 alleles (0.00031%); highest among the groups gnomAD compares: Admixed American, 0.005%; no homozygotes.

Submissions (11):

Labcorp Genetics (formerly Invitae), Labcorp
Classification: Likely benign for Hereditary breast ovarian cancer syndrome. Last evaluated: 2025-11-30. Review status: criteria provided, single submitter. Criteria: Invitae Variant Classification Sherloc (09022015). Collection method: clinical testing. Allele origin: germline.

Color Diagnostics, LLC DBA Color Health
Classification: Uncertain significance for Hereditary cancer-predisposing syndrome. Last evaluated: 2025-01-29. Review status: criteria provided, single submitter. Criteria: ACMG Guidelines, 2015. Collection method: clinical testing. Allele origin: germline.
Comment: This missense variant replaces tyrosine with aspartic acid at codon 777 of the BRCA1 protein. Computational prediction tool suggests that this variant may not impact protein structure and function (PMID: 28508593, 30212499). To our knowledge, functional studies have not been reported for this variant. This variant has been reported in a breast cancer case-control meta-analysis in 1/53461 unaffected individuals and absent in 60466 cases (PMID: 33471991; Leiden Open Variation Database DB-ID BRCA1_006425). This variant has not been identified in the general population by the Genome Aggregation Database (gnomAD). Although there is a suspicion that this variant may not be associated with disease, additional studies are necessary to determine the role of this variant in disease conclusively. Therefore, this variant is classified as a Variant of Uncertain Significance.

All of Us Research Program, National Institutes of Health
Classification: Uncertain significance for BRCA1-related cancer predisposition. Last evaluated: 2024-08-06. Review status: criteria provided, single submitter. Criteria: ACMG Guidelines, 2015. Collection method: clinical testing. Allele origin: germline. Inheritance: Autosomal dominant inheritance. Observed: 2 variant alleles, 2 heterozygotes.
Comment: This missense variant replaces tyrosine with aspartic acid at codon 777 of the BRCA1 protein. Computational prediction is inconclusive regarding the impact of this variant on protein structure and function (internally defined REVEL score threshold 0.5 < inconclusive < 0.7, PMID: 27666373). To our knowledge, functional studies have not been reported for this variant. This variant has been reported in a breast cancer case-control meta-analysis in 1/53460 unaffected individuals and absent in 60466 cases (PMID: 33471991; Leiden Open Variation Database DB-ID BRCA1_006425). This variant has not been identified in the general population by the Genome Aggregation Database (gnomAD). The available evidence is insufficient to determine the role of this variant in disease conclusively. Therefore, this variant is classified as a Variant of Uncertain Significance.

This study involves interpretation of variants in research participants for the purpose of population health screening. Participant phenotype was not available at the time of variant classification. Additional details can be found in publication PMID: 35346344, PMCID: PMC8962531

Quest Diagnostics Nichols Institute San Juan Capistrano
Classification: Uncertain significance. Last evaluated: 2023-09-29. Review status: criteria provided, single submitter. Criteria: Quest Diagnostics criteria. Collection method: clinical testing. Allele origin: unknown.

University of Washington Department of Laboratory Medicine, University of Washington
Classification: Likely benign for Hereditary cancer-predisposing syndrome. Last evaluated: 2023-03-23. Review status: criteria provided, single submitter. Criteria: Dines et al. (Genet Med. 2020). Collection method: curation. Allele origin: germline.
Comment: Missense variant in a coldspot region where missense variants are very unlikely to be pathogenic (PMID:31911673).

BRCA1 coldspot (exon 11 using historical exon numbering). Reclassification based on statistical prior probability

Revvity Omics, Revvity
Classification: Uncertain significance. Last evaluated: 2020-10-21. Review status: criteria provided, single submitter. Criteria: ACMG Guidelines, 2015. Collection method: clinical testing. Allele origin: germline.

Ambry Genetics
Classification: Likely benign for Hereditary cancer-predisposing syndrome. Last evaluated: 2019-03-27. Review status: criteria provided, single submitter. Criteria: Ambry Variant Classification Scheme 2023. Collection method: clinical testing. Allele origin: germline.

Genetic Services Laboratory, University of Chicago
Classification: Uncertain significance. Last evaluated: 2019-03-08. Review status: criteria provided, single submitter. Criteria: ACMG Guidelines, 2015. Collection method: clinical testing. Allele origin: germline. Affected: no.

Women's Health and Genetics/Laboratory Corporation of America, LabCorp
Classification: Uncertain significance. Last evaluated: 2018-07-11. Review status: criteria provided, single submitter. Criteria: LabCorp Variant Classification Summary - May 2015. Collection method: clinical testing. Allele origin: germline.
Comment: Variant summary: BRCA1 c.2329T>G (p.Tyr777Asp) results in a non-conservative amino acid change in the encoded protein sequence. Three of five in-silico tools predict a benign effect of the variant on protein function. The variant was absent in 121366 control chromosomes. The available data on variant occurrences in the general population are insufficient to allow any conclusion about variant significance. To our knowledge, no occurrence of c.2329T>G in individuals affected with Hereditary Breast and Ovarian Cancer and no experimental evidence demonstrating its impact on protein function have been reported. Three clinical diagnostic laboratories have submitted clinical-significance assessments for this variant to ClinVar after 2014 without evidence for independent evaluation (2 likely benign and 1 VUS). Based on the evidence outlined above, the variant was classified as uncertain significance.

GeneDx
Classification: Likely benign. Last evaluated: 2015-07-16. Review status: criteria provided, single submitter. Criteria: GeneDx Variant Classification (06012015). Collection method: clinical testing. Allele origin: germline. Affected: yes.
Comment: This variant is considered likely benign or benign based on one or more of the following criteria: it is a conservative change, it occurs at a poorly conserved position in the protein, it is predicted to be benign by multiple in silico algorithms, and/or has population frequency not consistent with disease.

Sharing Clinical Reports Project (SCRP)
Classification: Benign for Breast-ovarian cancer, familial 1. Last evaluated: 2009-06-18. Review status: no assertion criteria provided. Collection method: clinical testing. Allele origin: germline. Not counted in ClinVar's aggregate classification.

Literature cited by the submitters: PubMed 28508593 (cited by Color Diagnostics, LLC DBA Color Health and Quest Diagnostics Nichols Institute San Juan Capistrano); PubMed 30212499 (cited by Color Diagnostics, LLC DBA Color Health); PubMed 33471991 (cited by 3 submitters); PubMed 31911673 (cited by Quest Diagnostics Nichols Institute San Juan Capistrano).